The following is an entry in ClinVar:

ClinVar aggregate classification (germline): Conflicting classifications of pathogenicity. Review status: criteria provided, conflicting classifications (1 of 4 stars). 2 submissions from 2 submitters: Uncertain significance (1); Likely benign (1). Last evaluated 2023-12-15.

Allele frequency attached by ClinVar (database versions not stated): gnomAD 0.00002; gnomAD exomes 0.00002; ExAC 0.00003; TOPMed 0.00003.
gnomAD v4.1: 44 of 1,612,094 alleles (0.0027%); highest among the groups gnomAD compares: Middle Eastern, 0.016%; no homozygotes.

Submissions (2):

Ambry Genetics
Classification: Likely benign. Last evaluated: 2023-12-15. Review status: criteria provided, single submitter. Criteria: Ambry Variant Classification Scheme 2023. Collection method: clinical testing. Allele origin: germline.

Mayo Clinic Laboratories, Mayo Clinic
Classification: Uncertain significance. Last evaluated: 2023-10-05. Review status: criteria provided, single submitter. Criteria: ACMG Guidelines, 2015. Collection method: clinical testing. Allele origin: germline. Observed: 1 variant allele.
Comment: BP4_strong

NM_005666.4(CFHR2):c.761G>A (p.Arg254Gln)

Gene: CFHR2 (complement factor H related 2; plus strand). Cytogenetic location: 1q31.3.
Variant type: single nucleotide variant.
Coding change: c.761G>A on transcript NM_005666.4 (MANE Select); coding-DNA position 761, G replaced by A.
Protein change: p.Arg254Gln; replaces arginine 254 with glutamine.
Molecular consequence: missense variant.
Genome position (GRCh38, 1-based): chr1:196,959,028, G>A. VCF-style: chr1-196959028-G-A. GRCh37 (hg19) VCF-style: chr1-196928158-G-A.
Other names: p.Arg254Gln; c.389G>A, p.Arg130Gln (NM_001312672.1); c.566G>A, p.Arg189Gln (NM_001410924.1); short protein forms R254Q, R130Q, R189Q.
Identifiers: ClinVar variation 3143802 (VCV003143802.2), dbSNP rs370528458, ClinGen allele CA1307541.
Genomic context (GRCh38, chr1:196,959,028, plus strand): 5'-GTGACATAGTTGAATTTGTTTGTAAATCTGGATATCATCCAACAAAATCTCATTCATTTC[G>A]AGCAATGTGTCAGAATGGGAAACTGGTATATCCCAGTTGTGAAGAAAAATAGAATCAATG-3'
Protein context (NP_005657.1, residues 244-264): GYHPTKSHSF[Arg254Gln]AMCQNGKLVY